The following is an entry in ClinVar:

NM_001371986.1(UNC80):c.6391C>T (p.Arg2131Trp)

Gene: UNC80 (unc-80 homolog, NALCN channel complex subunit; plus strand). Cytogenetic location: 2q34.
Variant type: single nucleotide variant.
Coding change: c.6391C>T on transcript NM_001371986.1 (MANE Select); coding-DNA position 6391, C replaced by T.
Protein change: p.Arg2131Trp; replaces arginine 2131 with tryptophan.
Molecular consequence: missense variant.
Genome position (GRCh38, 1-based): chr2:209,937,556, C>T. VCF-style: chr2-209937556-C-T. GRCh37 (hg19) VCF-style: chr2-210802280-C-T.
Other names: c.6193C>T, p.Arg2065Trp (NM_032504.2); c.6178C>T, p.Arg2060Trp (NM_182587.4); short protein forms R2060W, R2065W, R2131W.
Identifiers: ClinVar variation 3902779 (VCV003902779.1).

ClinVar aggregate classification (germline): Uncertain significance (1 of 4 stars; one submission).

gnomAD v4.1: 4 of 1,551,358 alleles (0.00026%); highest among the groups gnomAD compares: Non-Finnish European, 0.00035%; no homozygotes.

Submission:

Women's Health and Genetics/Laboratory Corporation of America, LabCorp
Classification: Uncertain significance. Last evaluated: 2025-05-21. Review status: criteria provided, single submitter. Criteria: LabCorp Variant Classification Summary - May 2015. Collection method: clinical testing. Allele origin: germline.
Comment: Variant summary: UNC80 c.6193C>T (p.Arg2065Trp) results in a non-conservative amino acid change in the encoded protein sequence. Algorithms developed to predict the effect of missense changes on protein structure and function are either unavailable or do not agree on the potential impact of this missense change. The variant was absent in 157886 control chromosomes (gnomAD). The available data on variant occurrences in the general population are insufficient to allow any conclusion about variant significance. To our knowledge, no occurrence of c.6193C>T in individuals affected with Infantile Hypotonia With Psychomotor Retardation And Characteristic Facies 2 and no experimental evidence demonstrating its impact on protein function have been reported. No submitters have cited clinical-significance assessments for this variant to ClinVar. Based on the evidence outlined above, the variant was classified as uncertain significance.